The following is an entry in ClinVar:

ClinVar aggregate classification (germline): Pathogenic (1 of 4 stars; one submission).

Conditions:
Cardiovascular phenotype. Identifiers: MedGen CN230736.

Allele frequency attached by ClinVar (database versions not stated): gnomAD exomes below 0.00001.

Submission:

Ambry Genetics
Classification: Pathogenic for Cardiovascular phenotype. Last evaluated: 2022-08-16. Review status: criteria provided, single submitter. Criteria: Ambry Variant Classification Scheme 2023. Collection method: clinical testing. Allele origin: germline.
Comment: The c.6336delG pathogenic mutation, located in coding exon 24 of the DSP gene, results from a deletion of one nucleotide at nucleotide position 6336, causing a translational frameshift with a predicted alternate stop codon (p.N2114Ifs*2). This alteration occurs at the 3' terminus of the DSP gene, is not expected to trigger nonsense-mediated mRNA decay, and impacts the last 26% of the protein. However, premature stop codons are typically deleterious in nature and a significant portion of the protein is affected (Ambry internal data). Alterations in DSP that result in haploinsufficiency or protein truncation have been reported in patients with arrhythmogenic right ventricular cardiomyopathy (ARVC) and dilated cardiomyopathy (DCM) (Fressart V et al. Europace. 2010;12(6):861-8; Elliott P et al. Circ Cardiovasc Genet. 2010;3(4):314-22; Quarta G et al. Circulation. 2011;123(23):2701-9; Garcia-Pavia P et al. Heart. 2011;97(21):1744-52; Rasmussen TB et al. Clin Genet. 2013;84(1):20-30; Pugh TJ et al. Genet Med. 2014;16(8):601-8). This variant is considered to be rare based on population cohorts in the Genome Aggregation Database (gnomAD). Based on the supporting evidence, this alteration is interpreted as a disease-causing mutation.

Literature cited by the submitters: PubMed 30291343; PubMed 33662488.

NM_004415.4(DSP):c.6336del (p.Asn2114fs)

Gene: DSP (desmoplakin; plus strand). Cytogenetic location: 6p24.3.
Variant type: Deletion.
Coding change: c.6336del on transcript NM_004415.4 (MANE Select); coding-DNA position 6336, one base deleted (G; older notation c.6336delG).
Protein change: p.Asn2114fs; shifts the reading frame from asparagine 2114.
Molecular consequence: frameshift variant.
Genome position (GRCh38, 1-based): chr6:7,583,598, G deleted. VCF-style (leftmost placement, unchanged base first): chr6-7583597-AG-A. GRCh37 (hg19) VCF-style: chr6-7583830-AG-A.
Other names: c.4539del, p.Asn1515fs (NM_001008844.3); c.5007del, p.Asn1671fs (NM_001319034.2); short protein forms N1671fs, N2114fs, N1515fs.
Identifiers: ClinVar variation 1752921 (VCV001752921.2), dbSNP rs2533940515, ClinGen allele CA2580075543.